The following is an entry in ClinVar:

NM_007294.4(BRCA1):c.5372T>C (p.Val1791Ala)

Gene: BRCA1 (BRCA1 DNA repair associated; minus strand). Cytogenetic location: 17q21.31.
Variant type: single nucleotide variant.
Coding change: c.5372T>C on transcript NM_007294.4 (MANE Select); coding-DNA position 5372, T replaced by C.
Protein change: p.Val1791Ala; replaces valine 1791 with alanine.
Molecular consequence: missense variant. On other transcripts: non-coding transcript variant (1), intron variant (1).
Genome position (GRCh38, 1-based): chr17:43,049,155, A>G on the plus strand (T>C on the coding strand, the complement: BRCA1 is on the minus strand). VCF-style: chr17-43049155-A-G. GRCh37 (hg19) VCF-style: chr17-41201172-A-G.
Other names: c.5369T>C, p.Val1790Ala (NM_001407621.1, NM_001407622.1, NM_001407623.1 and 14 more transcripts); c.5366T>C, p.Val1789Ala (NM_001407627.1, NM_001407638.1, NM_001407639.1 and 13 more transcripts); c.5363T>C, p.Val1788Ala (NM_001407644.1, NM_001407645.1); c.5360T>C, p.Val1787Ala (NM_001407646.1); c.5357T>C, p.Val1786Ala (NM_001407647.1); c.5288T>C, p.Val1763Ala (NM_001407660.1, NM_001407661.1, NM_001407662.1 and 2 more transcripts); c.5249T>C, p.Val1750Ala (NM_001407664.1, NM_001407665.1, NM_001407666.1 and 3 more transcripts); c.5246T>C, p.Val1749Ala (NM_001407679.1, NM_001407680.1, NM_001407670.1 and 8 more transcripts); and 73 more; short protein forms V1791A, V1812A, V687A, V1744A, V1701A, V1702A, V1703A, V1719A.
Identifiers: ClinVar variation 219775 (VCV000219775.14), dbSNP rs864622244, ClinGen allele CA350379.

ClinVar aggregate classification (germline): Conflicting classifications of pathogenicity. Review status: criteria provided, conflicting classifications (1 of 4 stars). 5 submissions from 5 submitters: Uncertain significance (3); Likely benign (2). Last evaluated 2025-03-31.

Conditions:
Hereditary breast ovarian cancer syndrome. Also called: Breast and ovarian cancer; Hereditary breast and ovarian cancer; Hereditary breast and ovarian cancer syndrome; Hereditary breast and/or ovarian cancer syndrome; BRCA1- and BRCA2-Associated Hereditary Breast and Ovarian Cancer; Hereditary breast and ovarian cancer syndrome (HBOC). Identifiers: Orphanet 145, MedGen C0677776, MeSH D061325, MONDO:0003582. Disease mechanism: loss of function.
Breast-ovarian cancer, familial, susceptibility to, 1 (BROVCA1). Also called: BRCA1 Hereditary Breast and Ovarian Cancer; OVARIAN CANCER, SUSCEPTIBILITY TO. Identifiers: Orphanet 145, MedGen C2676676, MONDO:0011450, OMIM 604370. Disease mechanism: loss of function.
Hereditary cancer-predisposing syndrome. Also called: Tumor predisposition; Hereditary Cancer Syndrome; Neoplastic Syndromes, Hereditary; Hereditary neoplastic syndrome. Identifiers: Orphanet 140162, MedGen C0027672, MeSH D009386, MONDO:0015356.

Allele frequency attached by ClinVar (database versions not stated): gnomAD exomes below 0.00001.
gnomAD v4.1: 2 of 1,614,168 alleles (0.00012%); highest among the groups gnomAD compares: African/African-American, 0.0027%; no homozygotes.

Submissions (6):

Labcorp Genetics (formerly Invitae), Labcorp
Classification: Uncertain significance for Hereditary breast ovarian cancer syndrome. Last evaluated: 2025-03-31. Review status: criteria provided, single submitter. Criteria: Invitae Variant Classification Sherloc (09022015). Collection method: clinical testing. Allele origin: germline.
Comment: This sequence change replaces valine, which is neutral and non-polar, with alanine, which is neutral and non-polar, at codon 1791 of the BRCA1 protein (p.Val1791Ala). This variant is present in population databases (no rsID available, gnomAD 0.007%). This variant has not been reported in the literature in individuals affected with BRCA1-related conditions. ClinVar contains an entry for this variant (Variation ID: 219775). Invitae Evidence Modeling incorporating data from in vitro experimental studies (PMID: 30209399) indicates that this missense variant is not expected to disrupt BRCA1 function with a negative predictive value of 95%. Experimental studies have shown that this missense change does not substantially affect BRCA1 function (PMID: 30209399). In summary, the available evidence is currently insufficient to determine the role of this variant in disease. Therefore, it has been classified as a Variant of Uncertain Significance.

Color Diagnostics, LLC DBA Color Health
Classification: Uncertain significance for Hereditary cancer-predisposing syndrome. Last evaluated: 2024-07-01. Review status: criteria provided, single submitter. Criteria: ACMG Guidelines, 2015. Collection method: clinical testing. Allele origin: germline.
Comment: This missense variant replaces valine with alanine at codon 1791 of the BRCA1 protein. Computational prediction suggests that this variant may have deleterious impact on protein structure and function. This variant has been reported to be functional in a haploid cell proliferation assay (PMID: 30209399). To our knowledge, this variant has not been reported in individuals affected with hereditary cancer in the literature. This variant has been identified in 1/251458 chromosomes in the general population by the Genome Aggregation Database (gnomAD). The available evidence is insufficient to determine the role of this variant in disease conclusively. Therefore, this variant is classified as a Variant of Uncertain Significance.

Lupski Lab, Baylor-Hopkins CMG, Baylor College of Medicine
Classification: Likely benign for Breast-ovarian cancer, familial, susceptibility to, 1. Last evaluated: 2024-04-12. Review status: criteria provided, single submitter. Criteria: Dawood et al. (medRxiv. 2024). Collection method: curation. Allele origin: germline.
Comment: Each variant was annotated with functional scores from MAVE data which was translated into functional evidence codes. All other evidence codes and combining criteria were adhered to as closely as possible based on the ClinGen VCEP (Variant Curation Expert Panel) gene-specific recommendations. See Supplemental Figure 34 of final paper (Supp Fig. 28 in preprint: doi:10.1101/2024.04.11.24305690) for a table to see which lines of evidence we did not have data for. The ClinGen VCEPs are highly regarded as the gold-standard for gene-specific variant curation and are developed after extensive evaluation of the evidence by clinical and scientific experts for the particular gene to classify genomic variants on a spectrum from pathogenic to benign using the 2015 ACMG/AMP Variant Interpretation Guidelines as a backbone (PMID: 25741868). Reclassification of these VUS variants from gnomAD or All of Us focused only on variants originally prescribed as VUS in ClinVar. To ensure reproducibility, transparency, and increased throughput, all the procedures for annotating variants and assigning evidence codes were codified using Python. All code has been made freely available and is linked in the Code Availability section and all reclassified variants with evidence codes used can be found in Tables S18-19 (preprint: doi:10.1101/2024.04.11.24305690). For the MAVE data, the clinical curation and clinical strength assignment as per the ClinGen recommendations in Brnich et al. (2020) (PMID: 31892348) for or against pathogenicity or benignity of each of these MAVE datasets utilized in this study were previously published in Fayer et al. (2021) (PMID: 34793697).In brief, for BRCA1 variants, if a variant was categorized as FUNC (functional), it was assigned BS3 evidence and no PS3 evidence, whereas if it was categorized as LOF (loss of function), the variant was assigned PS3 evidence and no BS3 evidence. Variants categorized as INT (intermediate) were left unannotated. For the BRCA1 combining criteria, greater than or equal to 1 criteria of strong benign evidence was enough to reclassify the VUS as Likely Benign. This variant GRCh38:17:43049155:A>G was assigned evidence codes ['BS3'] and an overall classification of Likely benign

Ambry Genetics
Classification: Likely benign for Hereditary cancer-predisposing syndrome. Last evaluated: 2023-06-13. Review status: criteria provided, single submitter. Criteria: Ambry Variant Classification Scheme 2023. Collection method: clinical testing. Allele origin: germline.

Sema4
Classification: Uncertain significance for Hereditary cancer-predisposing syndrome. Last evaluated: 2021-11-10. Review status: criteria provided, single submitter. Criteria: Sema4 Curation Guidelines. Collection method: curation. Allele origin: germline.
Comment: To the best of our knowledge, the BRCA1 c.5372T>C (p.V1791A) variant has not been reported in individuals with BRCA1-related disease. It was observed in 1/251458 chromosomes in the large and broad cohorts of the Genome Aggregation Database (PMID: 32461654). The variant has been reported in ClinVar (Variation ID 219775). In silico tools suggest the impact of the variant on protein function is deleterious. However, a functional study demonstrated the normal function of the protein (PMID: 30209399). The evidence is insufficient to meet ACMG/AMP criteria for classifying the variant as benign or pathogenic. Thus, the clinical significance of this variant is currently uncertain.

Brotman Baty Institute, University of Washington
No classification provided (evidence only). Condition: Breast-ovarian cancer, familial 1. Review status: no classification provided. Collection method: in vitro. Allele origin: not applicable. Functional consequence: functionally_normal. Not counted in ClinVar's aggregate classification.
ClinVar note: "not provided" was previously submitted as the classification for the variant. However, the classification appeared to be based only on an observation of functional data so it was converted to no classification on 2025-07-30.

Literature cited by the submitters: PubMed 30209399 (cited by 3 submitters); PubMed 39142283 (cited by Lupski Lab, Baylor-Hopkins CMG, Baylor College of Medicine); PubMed 34793697 (cited by Lupski Lab, Baylor-Hopkins CMG, Baylor College of Medicine); DOI 10.1101/2024.04.11.24305690 (cited by Lupski Lab, Baylor-Hopkins CMG, Baylor College of Medicine).